The following is an entry in ClinVar:

ClinVar aggregate classification (germline): Likely benign (0 of 4 stars; one submission).

Conditions:
TRPC5-related disorder. Also called: TRPC5-related condition.

Allele frequency attached by ClinVar (database versions not stated): gnomAD exomes 0.00001; ExAC 0.00009; gnomAD 0.00012; TOPMed 0.00016; ESP Exome Variant Server 0.00019; 1000 Genomes Project 30x 0.00021; 1000 Genomes Project 0.00026.
gnomAD v4.1: 24 of 1,209,425 alleles (0.002%); highest among the groups gnomAD compares: African/African-American, 0.039%; no homozygotes.

Submission:

PreventionGenetics, part of Exact Sciences
Classification: Likely benign for TRPC5-related condition. Last evaluated: 2021-08-25. Review status: no assertion criteria provided. Collection method: clinical testing. Allele origin: germline.
Comment: This variant is classified as likely benign based on ACMG/AMP sequence variant interpretation guidelines (Richards et al. 2015 PMID: 25741868, with internal and published modifications).

NM_012471.3(TRPC5):c.804C>A (p.Ile268=)

Gene: TRPC5 (transient receptor potential cation channel subfamily C member 5; minus strand). Cytogenetic location: Xq23.
Variant type: single nucleotide variant.
Coding change: c.804C>A on transcript NM_012471.3 (MANE Select); coding-DNA position 804, C replaced by A.
Protein change: p.Ile268=; no amino-acid change (isoleucine 268 retained).
Molecular consequence: synonymous variant.
Genome position (GRCh38, 1-based): chrX:111,912,387, G>T on the plus strand (C>A on the coding strand, the complement: TRPC5 is on the minus strand). VCF-style: chrX-111912387-G-T. GRCh37 (hg19) VCF-style: chrX-111155615-G-T.
Identifiers: ClinVar variation 3055228 (VCV003055228.2), dbSNP rs146697323, ClinGen allele CA10494382.